The following is an entry in ClinVar:

ClinVar aggregate classification (germline): Uncertain significance (1 of 4 stars; one submission).

Conditions:
Congenital myasthenic syndrome 2A. Also called: Myasthenic syndrome, congenital, 2a, slow-channel. Identifiers: Orphanet 590, MedGen C4225374, MONDO:0014581, OMIM 616313.

Allele frequency attached by ClinVar (database versions not stated): gnomAD exomes below 0.00001; ExAC 0.00001.
gnomAD v4.1: 1 of 1,614,126 alleles (0.000062%); no homozygotes.

Submission:

Labcorp Genetics (formerly Invitae), Labcorp
Classification: Uncertain significance for Congenital myasthenic syndrome 2A. Last evaluated: 2022-03-18. Review status: criteria provided, single submitter. Criteria: Invitae Variant Classification Sherloc (09022015). Collection method: clinical testing. Allele origin: germline.
Comment: This sequence change replaces valine, which is neutral and non-polar, with methionine, which is neutral and non-polar, at codon 427 of the CHRNB1 protein (p.Val427Met). This variant is present in population databases (rs753293826, gnomAD 0.01%). This variant has not been reported in the literature in individuals affected with CHRNB1-related conditions. Advanced modeling of protein sequence and biophysical properties (such as structural, functional, and spatial information, amino acid conservation, physicochemical variation, residue mobility, and thermodynamic stability) performed at Invitae indicates that this missense variant is not expected to disrupt CHRNB1 protein function. In summary, the available evidence is currently insufficient to determine the role of this variant in disease. Therefore, it has been classified as a Variant of Uncertain Significance.

NM_000747.3(CHRNB1):c.1279G>A (p.Val427Met)

Gene: CHRNB1 (cholinergic receptor nicotinic beta 1 subunit; plus strand). Cytogenetic location: 17p13.1.
Variant type: single nucleotide variant.
Coding change: c.1279G>A on transcript NM_000747.3 (MANE Select); coding-DNA position 1279, G replaced by A.
Protein change: p.Val427Met; replaces valine 427 with methionine.
Molecular consequence: missense variant.
Genome position (GRCh38, 1-based): chr17:7,455,855, G>A. VCF-style: chr17-7455855-G-A. GRCh37 (hg19) VCF-style: chr17-7359174-G-A.
Other names: short protein forms V427M.
Identifiers: ClinVar variation 1943429 (VCV001943429.5), dbSNP rs753293826, ClinGen allele CA8348028.